The following is an entry in ClinVar:

ClinVar aggregate classification (germline): Uncertain significance. Review status: criteria provided, multiple submitters, no conflicts (2 of 4 stars). 2 submissions from 2 submitters: Uncertain significance (2). Last evaluated 2025-10-27.

Conditions:
Aortic aneurysm, familial thoracic 8 (AAT8). Identifiers: MedGen C3809513, MONDO:0014187, OMIM 615436.
Familial thoracic aortic aneurysm and aortic dissection (TAAD). Also called: Thoracic aortic aneurysms and dissections. Identifiers: Orphanet 91387, MedGen C4707243, MONDO:0019625.

gnomAD v4.1: 4 of 1,613,620 alleles (0.00025%); highest among the groups gnomAD compares: Non-Finnish European, 0.00034%; no homozygotes.

Submissions (2):

Ambry Genetics
Classification: Uncertain significance for Familial thoracic aortic aneurysm and aortic dissection. Last evaluated: 2025-10-27. Review status: criteria provided, single submitter. Criteria: Ambry Variant Classification Scheme 2023. Collection method: clinical testing. Allele origin: germline.
Comment: The p.I378V variant (also known as c.1132A>G), located in coding exon 10 of the PRKG1 gene, results from an A to G substitution at nucleotide position 1132. The isoleucine at codon 378 is replaced by valine, an amino acid with highly similar properties. This amino acid position is conserved. In addition, this alteration is predicted to be tolerated by in silico analysis. Based on the available evidence, the clinical significance of this variant remains unclear.

Labcorp Genetics (formerly Invitae), Labcorp
Classification: Uncertain significance for Aortic aneurysm, familial thoracic 8. Last evaluated: 2024-07-30. Review status: criteria provided, single submitter. Criteria: Invitae Variant Classification Sherloc (09022015). Collection method: clinical testing. Allele origin: germline.
Comment: This sequence change replaces isoleucine, which is neutral and non-polar, with valine, which is neutral and non-polar, at codon 378 of the PRKG1 protein (p.Ile378Val). This variant is not present in population databases (gnomAD no frequency). This variant has not been reported in the literature in individuals affected with PRKG1-related conditions. An algorithm developed to predict the effect of missense changes on protein structure and function (PolyPhen-2) suggests that this variant is likely to be tolerated. In summary, the available evidence is currently insufficient to determine the role of this variant in disease. Therefore, it has been classified as a Variant of Uncertain Significance.

NM_006258.4(PRKG1):c.1132A>G (p.Ile378Val)

Gene: PRKG1 (protein kinase cGMP-dependent 1; plus strand). Cytogenetic location: 10q21.1.
Variant type: single nucleotide variant.
Coding change: c.1132A>G on transcript NM_006258.4 (MANE Select); coding-DNA position 1132, A replaced by G.
Protein change: p.Ile378Val; replaces isoleucine 378 with valine.
Molecular consequence: missense variant. On other transcripts: 5 prime UTR variant (1).
Genome position (GRCh38, 1-based): chr10:52,251,625, A>G. VCF-style: chr10-52251625-A-G. GRCh37 (hg19) VCF-style: chr10-54011385-A-G.
Other names: c.-78A>G (NM_001374781.1); c.1087A>G, p.Ile363Val (NM_001098512.3); c.1132A>G (NM_006258.3); short protein forms I378V, I363V.
Identifiers: ClinVar variation 3697943 (VCV003697943.3).